The following is an entry in ClinVar:

NM_002350.4(LYN):c.203T>C (p.Val68Ala)

Gene: LYN (LYN proto-oncogene, Src family tyrosine kinase; plus strand). Cytogenetic location: 8q12.1.
Variant type: single nucleotide variant.
Coding change: c.203T>C on transcript NM_002350.4 (MANE Select); coding-DNA position 203, T replaced by C.
Protein change: p.Val68Ala; replaces valine 68 with alanine.
Molecular consequence: missense variant.
Genome position (GRCh38, 1-based): chr8:55,947,642, T>C. VCF-style: chr8-55947642-T-C. GRCh37 (hg19) VCF-style: chr8-56860201-T-C.
Other names: c.140T>C, p.Val47Ala (NM_001111097.3); short protein forms V68A, V47A.
Identifiers: ClinVar variation 1365310 (VCV001365310.6), dbSNP rs771212623, ClinGen allele CA4753950.

ClinVar aggregate classification (germline): Uncertain significance (1 of 4 stars; one submission).

Allele frequency attached by ClinVar (database versions not stated): gnomAD exomes below 0.00001; TOPMed below 0.00001; ExAC 0.00001; gnomAD 0.00001.

Submission:

Labcorp Genetics (formerly Invitae), Labcorp
Classification: Uncertain significance. Last evaluated: 2022-07-18. Review status: criteria provided, single submitter. Criteria: Invitae Variant Classification Sherloc (09022015). Collection method: clinical testing. Allele origin: germline.
Comment: This sequence change replaces valine, which is neutral and non-polar, with alanine, which is neutral and non-polar, at codon 68 of the LYN protein (p.Val68Ala). This variant is present in population databases (rs771212623, gnomAD 0.002%). This variant has not been reported in the literature in individuals affected with LYN-related conditions. ClinVar contains an entry for this variant (Variation ID: 1365310). Algorithms developed to predict the effect of missense changes on protein structure and function are either unavailable or do not agree on the potential impact of this missense change (SIFT: "Deleterious"; PolyPhen-2: "Benign"; Align-GVGD: "Class C55"). In summary, the available evidence is currently insufficient to determine the role of this variant in disease. Therefore, it has been classified as a Variant of Uncertain Significance.